The following is an entry in ClinVar:

NR_003051.3(RMRP):n.-5delins17

Gene: RMRP (RNA component of mitochondrial RNA processing endoribonuclease; minus strand). Cytogenetic location: 9p13.3.
Variant type: Indel.
Identifiers: ClinVar variation 465211 (VCV000465211.1).

ClinVar aggregate classification (germline): Likely pathogenic (1 of 4 stars; one submission).

Conditions:
Anauxetic dysplasia. Identifiers: Orphanet 93347, MedGen C1846796, MONDO:0011773.

Submission:

Labcorp Genetics (formerly Invitae), Labcorp
Classification: Likely pathogenic for Anauxetic dysplasia. Last evaluated: 2017-07-17. Review status: criteria provided, single submitter. Criteria: Invitae Variant Classification Sherloc (09022015). Collection method: clinical testing. Allele origin: germline.
Comment: This sequence change occurs in the promoter region of the RMRP gene, which encodes an RNA molecule that does not result in a protein product. RMRP is a ribonuclease for mitochondrial RNA processing involved in the processing of pre-rRNA and the generation of RNA primers for mitochondrial DNA replication. This variant is not present in population databases (ExAC no frequency) and has not been reported in the literature in individuals with a RMRP-related disease. While this particular variant has not been reported in the literature, it is located in the promoter region between the TATA box and the transcription initiation site, and other similar insertions and duplications immediately upstream of the coding sequence have been reported in individuals affected with cartilage-hair hypoplasia (PMID: 11207361, 16838329, 17189938, 21570718). Experimental analyses using patient derived cells, as well as in vitro transfection studies, have shown that these promoter insertions result in silencing of RMRP transcription and reduced expression of the gene product (PMID: 11207361, 16254002). In summary, the currently available evidence indicates that the variant is pathogenic, but additional data are needed to prove that conclusively. Therefore, this variant has been classified as Likely Pathogenic.